The following is an entry in ClinVar:

NM_001378477.3(NYX):c.558_574dup (p.Val192fs)

Gene: NYX (nyctalopin; plus strand). Cytogenetic location: Xp11.4.
Variant type: Duplication.
Coding change: c.558_574dup on transcript NM_001378477.3 (MANE Select); coding-DNA positions 558 to 574, 17 bases duplicated (CGGCCGCATCGAGGCGG).
Protein change: p.Val192fs; shifts the reading frame from valine 192.
Molecular consequence: frameshift variant.
Genome position (GRCh38, 1-based): chrX:41,474,026-41,474,042, CGGCCGCATCGAGGCGG duplicated; duplicating any 17 consecutive bases within chrX:41,474,025-41,474,042 gives the same sequence; the c. name uses the placement nearest the transcript's 3' end. VCF-style (leftmost placement, unchanged base first): chrX-41474024-C-CGCGGCCGCATCGAGGCG. GRCh37 (hg19) VCF-style: chrX-41333277-C-CGCGGCCGCATCGAGGCG.
Other names: c.558_574dup, p.Val192fs (NM_022567.3); short protein forms V192fs.
Identifiers: ClinVar variation 2000574 (VCV002000574.4), dbSNP rs2519607633, ClinGen allele CA2580101736.

ClinVar aggregate classification (germline): Pathogenic (1 of 4 stars; one submission).

Submission:

Labcorp Genetics (formerly Invitae), Labcorp
Classification: Pathogenic. Last evaluated: 2022-05-29. Review status: criteria provided, single submitter. Criteria: Invitae Variant Classification Sherloc (09022015). Collection method: clinical testing. Allele origin: germline.
Comment: For these reasons, this variant has been classified as Pathogenic. This variant disrupts a region of the NYX protein in which other variant(s) (p.Cys362*) have been determined to be pathogenic (Invitae). This suggests that this is a clinically significant region of the protein, and that variants that disrupt it are likely to be disease-causing. This variant has not been reported in the literature in individuals affected with NYX-related conditions. The frequency data for this variant in the population databases is considered unreliable, as metrics indicate insufficient coverage at this position in the gnomAD database. This sequence change creates a premature translational stop signal (p.Val197Alafs*157) in the NYX gene. While this is not anticipated to result in nonsense mediated decay, it is expected to disrupt the last 285 amino acid(s) of the NYX protein.